The following is an entry in ClinVar:

NM_003036.4(SKI):c.1408C>T (p.Pro470Ser)

Gene: SKI (SKI proto-oncogene; plus strand). Cytogenetic location: 1p36.32.
Variant type: single nucleotide variant.
Coding change: c.1408C>T on transcript NM_003036.4 (MANE Select); coding-DNA position 1408, C replaced by T.
Protein change: p.Pro470Ser; replaces proline 470 with serine.
Molecular consequence: missense variant.
Genome position (GRCh38, 1-based): chr1:2,304,036, C>T. VCF-style: chr1-2304036-C-T. GRCh37 (hg19) VCF-style: chr1-2235475-C-T.
Other names: short protein forms P470S.
Identifiers: ClinVar variation 1895587 (VCV001895587.5), dbSNP rs1640498166, ClinGen allele CA337956648.

ClinVar aggregate classification (germline): Uncertain significance (1 of 4 stars; one submission).

Conditions:
Shprintzen-Goldberg syndrome (SGS). Also called: SHPRINTZEN-GOLDBERG CRANIOSYNOSTOSIS SYNDROME; CRANIOSYNOSTOSIS WITH ARACHNODACTYLY AND ABDOMINAL HERNIAS; Marfanoid disorder with craniosynostosis type 1; Marfanoid craniosynostosis syndrome; Shprintzen-Goldberg marfanoid syndrome. Identifiers: Orphanet 2462, MedGen C1321551, MONDO:0008426, OMIM 182212.

Allele frequency attached by ClinVar (database versions not stated): TOPMed below 0.00001.
gnomAD v4.1: 2 of 1,612,444 alleles (0.00012%); highest among the groups gnomAD compares: Admixed American, 0.0017%; no homozygotes.

Submission:

Labcorp Genetics (formerly Invitae), Labcorp
Classification: Uncertain significance for Shprintzen-Goldberg syndrome. Last evaluated: 2024-04-10. Review status: criteria provided, single submitter. Criteria: Invitae Variant Classification Sherloc (09022015). Collection method: clinical testing. Allele origin: germline.
Comment: This sequence change replaces proline, which is neutral and non-polar, with serine, which is neutral and polar, at codon 470 of the SKI protein (p.Pro470Ser). This variant is not present in population databases (gnomAD no frequency). This variant has not been reported in the literature in individuals affected with SKI-related conditions. ClinVar contains an entry for this variant (Variation ID: 1895587). Advanced modeling of protein sequence and biophysical properties (such as structural, functional, and spatial information, amino acid conservation, physicochemical variation, residue mobility, and thermodynamic stability) performed at Invitae indicates that this missense variant is not expected to disrupt SKI protein function with a negative predictive value of 95%. In summary, the available evidence is currently insufficient to determine the role of this variant in disease. Therefore, it has been classified as a Variant of Uncertain Significance.